The following is an entry in ClinVar:

ClinVar aggregate classification (germline): Uncertain significance (1 of 4 stars; one submission).

Conditions:
Intellectual developmental disorder, X-linked, syndromic, Houge type. Also called: MENTAL RETARDATION, X-LINKED, SYNDROMIC, HOUGE TYPE; Intellectual disability, X-linked, syndromic, Houge type. Identifiers: MedGen C4538788, MONDO:0030909, OMIM 301008.

Submission:

Centre for Mendelian Genomics, University Medical Centre Ljubljana
Classification: Uncertain significance for Intellectual developmental disorder, X-linked, syndromic, Houge type. Last evaluated: 2019-12-12. Review status: criteria provided, single submitter. Criteria: ACMG Guidelines, 2015. Collection method: clinical testing. Allele origin: unknown. Affected: yes.
Comment: This variant was classified as: Uncertain significance. The available evidence on this variant's pathogenicity is insufficient or conflicting. The following ACMG criteria were applied in classifying this variant: PM2,PP3,BP1.

NM_014927.5(CNKSR2):c.73G>A (p.Asp25Asn)

Gene: CNKSR2 (connector enhancer of kinase suppressor of Ras 2; plus strand). Cytogenetic location: Xp22.12.
Variant type: single nucleotide variant.
Coding change: c.73G>A on transcript NM_014927.5 (MANE Select); coding-DNA position 73, G replaced by A.
Protein change: p.Asp25Asn; replaces aspartic acid 25 with asparagine.
Molecular consequence: missense variant.
Genome position (GRCh38, 1-based): chrX:21,426,505, G>A. VCF-style: chrX-21426505-G-A. GRCh37 (hg19) VCF-style: chrX-21444623-G-A.
Other names: c.73G>A, p.Asp25Asn (NM_001168647.3, NM_001168648.3, NM_001168649.3 and 4 more transcripts); short protein forms D25N.
Identifiers: ClinVar variation 931028 (VCV000931028.3), dbSNP rs2090566346, ClinGen allele CA412551525.